The following is an entry in ClinVar:

ClinVar aggregate classification (germline): Uncertain significance (1 of 4 stars; one submission).

Conditions:
Anauxetic dysplasia. Identifiers: Orphanet 93347, MedGen C1846796, MONDO:0011773.

Submission:

Labcorp Genetics (formerly Invitae), Labcorp
Classification: Uncertain significance for Anauxetic dysplasia. Last evaluated: 2019-08-21. Review status: criteria provided, single submitter. Criteria: Invitae Variant Classification Sherloc (09022015). Collection method: clinical testing. Allele origin: germline.
Comment: This variant occurs in the RMRP gene, which encodes an RNA molecule that does not result in a protein product. The frequency data for this variant in the population databases is considered unreliable, as metrics indicate insufficient coverage at this position in the ExAC database. This variant has not been reported in the literature in individuals with RMRP-related conditions. Experimental studies and prediction algorithms are not available for this variant, and the functional significance of this non-coding change is currently unknown. In summary, the available evidence is currently insufficient to determine the role of this variant in disease. Therefore, it has been classified as a Variant of Uncertain Significance.

NC_000009.12:g.35657915_35657918del

Gene: RMRP (RNA component of mitochondrial RNA processing endoribonuclease; minus strand). Cytogenetic location: 9p13.3.
Variant type: Deletion.
Genome position: GRCh38 VCF-style: chr9-35657914-CACGT-C. GRCh37 (hg19) VCF-style: chr9-35657911-CACGT-C.
Identifiers: ClinVar variation 961654 (VCV000961654.10), dbSNP rs1823618701, ClinGen allele CA1139660921.